The following is an entry in ClinVar:

NM_012418.4(FSCN2):c.1462G>A (p.Ala488Thr)

Gene: FSCN2 (fascin actin-bundling protein 2, retinal; plus strand). Cytogenetic location: 17q25.3.
Variant type: single nucleotide variant.
Coding change: c.1462G>A on transcript NM_012418.4 (MANE Select); coding-DNA position 1462, G replaced by A.
Protein change: p.Ala488Thr; replaces alanine 488 with threonine.
Molecular consequence: missense variant.
Genome position (GRCh38, 1-based): chr17:81,537,063, G>A. VCF-style: chr17-81537063-G-A. GRCh37 (hg19) VCF-style: chr17-79504089-G-A.
Other names: c.1534G>A, p.Ala512Thr (NM_001077182.3); short protein forms A488T, A512T.
Identifiers: ClinVar variation 1480647 (VCV001480647.8), dbSNP rs1428933444, ClinGen allele CA401479233.

ClinVar aggregate classification (germline): Uncertain significance (1 of 4 stars; one submission).

Allele frequency attached by ClinVar (database versions not stated): gnomAD exomes below 0.00001.
gnomAD v4.1: 1 of 1,458,526 alleles (0.000069%); highest among the groups gnomAD compares: South Asian, 0.0014%; no homozygotes.

Submission:

Labcorp Genetics (formerly Invitae), Labcorp
Classification: Uncertain significance. Last evaluated: 2025-11-25. Review status: criteria provided, single submitter. Criteria: Invitae Variant Classification Sherloc (09022015). Collection method: clinical testing. Allele origin: germline.
Comment: This sequence change replaces alanine, which is neutral and non-polar, with threonine, which is neutral and polar, at codon 512 of the FSCN2 protein (p.Ala512Thr). This variant is not present in population databases (gnomAD no frequency). This variant has not been reported in the literature in individuals affected with FSCN2-related conditions. ClinVar contains an entry for this variant (Variation ID: 1480647). An algorithm developed to predict the effect of missense changes on protein structure and function outputs the following: PolyPhen-2: "Benign". The threonine amino acid residue is found in multiple mammalian species, which suggests that this missense change does not adversely affect protein function. In summary, the available evidence is currently insufficient to determine the role of this variant in disease. Therefore, it has been classified as a Variant of Uncertain Significance.